The following is an entry in ClinVar:

NM_000336.3(SCNN1B):c.241G>A (p.Val81Ile)

Gene: SCNN1B (sodium channel epithelial 1 subunit beta; plus strand). Cytogenetic location: 16p12.2.
Variant type: single nucleotide variant.
Coding change: c.241G>A on transcript NM_000336.3 (MANE Select); coding-DNA position 241, G replaced by A.
Protein change: p.Val81Ile; replaces valine 81 with isoleucine.
Molecular consequence: missense variant.
Genome position (GRCh38, 1-based): chr16:23,348,840, G>A. VCF-style: chr16-23348840-G-A. GRCh37 (hg19) VCF-style: chr16-23360161-G-A.
Other names: c.241G>A, p.Val81Ile (NM_001410900.1); short protein forms V81I.
Identifiers: ClinVar variation 3378307 (VCV003378307.2).

ClinVar aggregate classification (germline): Uncertain significance. Review status: criteria provided, multiple submitters, no conflicts (2 of 4 stars). 2 submissions from 2 submitters: Uncertain significance (2). Last evaluated 2025-05-23.

Conditions:
Inborn genetic diseases. Identifiers: MedGen C0950123, MeSH D030342.

gnomAD v4.1: 3 of 1,614,146 alleles (0.00019%); highest among the groups gnomAD compares: Non-Finnish European, 0.00025%; no homozygotes.

Submissions (2):

Ambry Genetics
Classification: Uncertain significance for Inborn genetic diseases. Last evaluated: 2025-05-23. Review status: criteria provided, single submitter. Criteria: Ambry Variant Classification Scheme 2023. Collection method: clinical testing. Allele origin: germline.

GeneDx
Classification: Uncertain significance. Last evaluated: 2024-05-13. Review status: criteria provided, single submitter. Criteria: GeneDx Variant Classification Process June 2021. Collection method: clinical testing. Allele origin: germline. Affected: yes.
Comment: In silico analysis indicates that this missense variant does not alter protein structure/function; Has not been previously published as pathogenic or benign to our knowledge